The following is an entry in ClinVar:

ClinVar aggregate classification (germline): Uncertain significance (1 of 4 stars; one submission).

Conditions:
Neurodevelopmental disorder with or without hyperkinetic movements and seizures, autosomal dominant. Also called: Intellectual disability, autosomal dominant 8. Identifiers: MedGen C3280282, MONDO:0013655, OMIM 614254.

Submission:

Labcorp Genetics (formerly Invitae), Labcorp
Classification: Uncertain significance for Neurodevelopmental disorder with or without hyperkinetic movements and seizures, autosomal dominant. Last evaluated: 2023-07-25. Review status: criteria provided, single submitter. Criteria: Invitae Variant Classification Sherloc (09022015). Collection method: clinical testing. Allele origin: germline.
Comment: This variant, c.2811_2812delinsTT, is a complex sequence change that results in the deletion of 2 and insertion of 2 amino acid(s) in the GRIN1 protein (p.Glu937_Ser938delinsAspCys). Information on the frequency of this variant in the gnomAD database is not available, as this variant may be reported differently in the database. This variant has not been reported in the literature in individuals affected with GRIN1-related conditions. Experimental studies and prediction algorithms are not available or were not evaluated, and the functional significance of this variant is currently unknown. In summary, the available evidence is currently insufficient to determine the role of this variant in disease. Therefore, it has been classified as a Variant of Uncertain Significance.

NM_007327.4(GRIN1):c.2811_2812delinsTT (p.Glu937_Ser938delinsAspCys)

Gene: GRIN1 (glutamate ionotropic receptor NMDA type subunit 1; plus strand). Cytogenetic location: 9q34.3.
Variant type: Indel.
Coding change: c.2811_2812delinsTT on transcript NM_007327.4 (MANE Select); coding-DNA positions 2811 to 2812, GA replaced by TT.
Protein change: p.Glu937_Ser938delinsAspCys.
Molecular consequence: missense variant. On other transcripts: intron variant (3).
Genome position (GRCh38, 1-based): chr9:137,167,521-137,167,522, GA replaced by TT. VCF-style: chr9-137167521-GA-TT. GRCh37 (hg19) VCF-style: chr9-140061973-GA-TT.
Other names: c.2700_2701delinsTT, p.Glu900_Ser901delinsAspCys (NM_021569.4); c.2764-253_2764-252delinsTT (NM_001185090.2); c.2653-253_2653-252delinsTT (NM_001185091.2); c.2590-253_2590-252delinsTT (NM_000832.7).
Identifiers: ClinVar variation 2746285 (VCV002746285.3), dbSNP rs2538668762, ClinGen allele CA2697558228.